The following is an entry in ClinVar:

NM_032581.4(HYCC1):c.176A>G (p.Gln59Arg)

Gene: HYCC1 (hyccin PI4KA lipid kinase complex subunit 1; minus strand). Cytogenetic location: 7p15.3.
Variant type: single nucleotide variant.
Coding change: c.176A>G on transcript NM_032581.4 (MANE Select); coding-DNA position 176, A replaced by G.
Protein change: p.Gln59Arg; replaces glutamine 59 with arginine.
Molecular consequence: missense variant.
Genome position (GRCh38, 1-based): chr7:22,978,426, T>C on the plus strand (A>G on the coding strand, the complement: HYCC1 is on the minus strand). VCF-style: chr7-22978426-T-C. GRCh37 (hg19) VCF-style: chr7-23018045-T-C.
Other names: c.176A>G, p.Gln59Arg (NM_001363466.2, NM_001363467.2); short protein forms Q59R.
Identifiers: ClinVar variation 1478522 (VCV001478522.6), dbSNP rs2128204605, ClinGen allele CA366976999.

ClinVar aggregate classification (germline): Uncertain significance (1 of 4 stars; one submission).

Conditions:
Hypomyelination and Congenital Cataract (HLD5). Also called: hypomyelinating leukodystrophy 5. Identifiers: Orphanet 85163, MedGen C1864663, MONDO:0012514, OMIM 610532.

Allele frequency attached by ClinVar (database versions not stated): gnomAD exomes below 0.00001.
gnomAD v4.1: 1 of 1,613,932 alleles (0.000062%); highest among the groups gnomAD compares: Non-Finnish European, 0.000085%; no homozygotes.

Submission:

Labcorp Genetics (formerly Invitae), Labcorp
Classification: Uncertain significance for Hypomyelination and Congenital Cataract. Last evaluated: 2022-10-17. Review status: criteria provided, single submitter. Criteria: Invitae Variant Classification Sherloc (09022015). Collection method: clinical testing. Allele origin: germline.
Comment: In summary, the available evidence is currently insufficient to determine the role of this variant in disease. Therefore, it has been classified as a Variant of Uncertain Significance. Advanced modeling of protein sequence and biophysical properties (such as structural, functional, and spatial information, amino acid conservation, physicochemical variation, residue mobility, and thermodynamic stability) performed at Invitae indicates that this missense variant is expected to disrupt FAM126A protein function. ClinVar contains an entry for this variant (Variation ID: 1478522). This variant has not been reported in the literature in individuals affected with FAM126A-related conditions. This variant is not present in population databases (gnomAD no frequency). This sequence change replaces glutamine, which is neutral and polar, with arginine, which is basic and polar, at codon 59 of the FAM126A protein (p.Gln59Arg).